The following is an entry in ClinVar:

ClinVar aggregate classification (germline): Uncertain significance (1 of 4 stars; one submission).

Submission:

Dasa
Classification: Uncertain significance. Last evaluated: 2026-04-20. Review status: criteria provided, single submitter. Criteria: DASA Assertion Criteria. Collection method: clinical testing. Allele origin: germline.
Comment: NM_000093.5(COL5A1):c.4216G>C (p.Glu1406Gln) is a missense variant that results in the substitution of glutamic acid with glutamine. This variant is absent from population databases. The currently available literature and clinical evidence are not sufficient to establish a definitive association between this variant and the reported condition. Therefore, this variant is classified as a variant of uncertain significance.

NM_000093.5(COL5A1):c.4216G>C (p.Glu1406Gln)

Gene: COL5A1 (collagen type V alpha 1 chain; plus strand). Cytogenetic location: 9q34.3.
Variant type: single nucleotide variant.
Coding change: c.4216G>C on transcript NM_000093.5 (MANE Select); coding-DNA position 4216, G replaced by C.
Protein change: p.Glu1406Gln; replaces glutamic acid 1406 with glutamine.
Molecular consequence: missense variant.
Genome position (GRCh38, 1-based): chr9:134,817,817, G>C. VCF-style: chr9-134817817-G-C. GRCh37 (hg19) VCF-style: chr9-137709663-G-C.
Other names: c.4216G>C, p.Glu1406Gln (NM_001278074.1); short protein forms E1406Q.
Identifiers: ClinVar variation 4881482 (VCV004881482.2).